The following is an entry in ClinVar:

ClinVar aggregate classification (germline): Uncertain significance (1 of 4 stars; one submission).

Conditions:
Intellectual developmental disorder, X-linked 1. Also called: MENTAL RETARDATION, X-LINKED 18; MENTAL RETARDATION, X-LINKED 78; Atkin Flaitz Patil Smith syndrome; Intellectual disability, X-linked 1. Identifiers: Orphanet 777, MedGen C2931498, MONDO:0010656, OMIM 309530.

Submission:

Victorian Clinical Genetics Services, Murdoch Childrens Research Institute
Classification: Uncertain significance for Intellectual developmental disorder, X-linked 1. Last evaluated: 2020-07-02. Review status: criteria provided, single submitter. Criteria: ACMG Guidelines, 2015. Collection method: clinical testing. Allele origin: germline. Inheritance: X-linked dominant inheritance. Affected: yes.
Comment: Based on the classification scheme VCGS_Germline_v1.1.1, this variant is classified as 3A-VUS. Following criteria are met: 0103 - Both loss- and gain-of-function are known mechanisms of disease for this gene. Missense changes in the Sec7 domain result in loss of GTPase activity, whereas mutations in IQ-like domain have been shown to cause both loss and gain of function (PMID: 20473311, 30842726). (N) 0110 - This gene is known to be associated with X-linked dominant disease. (N) 0200 - Variant is predicted to result in a missense amino acid change from glycine to alanine (exon 9). (N) 0253 - Variant is hemizygous. (N) 0301 - Variant is absent from gnomAD. (P) 0502 - Missense variant with conflicting in silico predictions and/or uninformative conservation. (N) 0603 - Missense variant in a region that is highly intolerant to missense variation (high constraint region). (P) 0705 - No comparable variants have previous evidence for pathogenicity. (N) 0807 - Variant has not previously been reported in a clinical context. (N) 0905 - No segregation evidence has been identified for this variant. (N) 1007 - No published functional evidence has been identified for this variant. (N) 1208 - Inheritance information for this variant is not currently available. (N) Legend: (P) - Pathogenic, (N) - Neutral, (B) - Benign

Literature cited by the submitters: PubMed 20473311; PubMed 30842726.

NM_001111125.3(IQSEC2):c.2750G>C (p.Gly917Ala)

Gene: IQSEC2 (IQ motif and Sec7 domain ArfGEF 2; minus strand). Cytogenetic location: Xp11.22.
Variant type: single nucleotide variant.
Coding change: c.2750G>C on transcript NM_001111125.3 (MANE Select); coding-DNA position 2750, G replaced by C.
Protein change: p.Gly917Ala; replaces glycine 917 with alanine.
Molecular consequence: missense variant.
Genome position (GRCh38, 1-based): chrX:53,243,471, C>G on the plus strand (G>C on the coding strand, the complement: IQSEC2 is on the minus strand). VCF-style: chrX-53243471-C-G. GRCh37 (hg19) VCF-style: chrX-53272653-C-G.
Other names: c.2750G>C, p.Gly917Ala (NM_001410736.1); c.2135G>C, p.Gly712Ala (NM_015075.2); short protein forms G712A, G917A.
Identifiers: ClinVar variation 1805711 (VCV001805711.1), dbSNP rs2519746954, ClinGen allele CA413154487.
Genomic context (GRCh38, chrX:53,243,471, plus strand): 5'-TGGATGCGCTGGTAGATGCCCACCAGGAGGTCTCGGGGGATGTCTTCACCATTGTCAACC[C>G]CTGGGGGAGGGAGTAACACAGGGATATGTCACATAATTATGGGCACTGGGTGGTAGGGGT-3'
Protein context (NP_001104595.1, residues 907-927): KLDDFIKNLR[Gly917Ala]VDNGEDIPRD